The following is an entry in ClinVar:

NM_025114.4(CEP290):c.3304G>A (p.Ala1102Thr)

Gene: CEP290 (centrosomal protein 290; minus strand). Cytogenetic location: 12q21.32.
Variant type: single nucleotide variant.
Coding change: c.3304G>A on transcript NM_025114.4 (MANE Select); coding-DNA position 3304, G replaced by A.
Protein change: p.Ala1102Thr; replaces alanine 1102 with threonine.
Molecular consequence: missense variant.
Genome position (GRCh38, 1-based): chr12:88,093,775, C>T on the plus strand (G>A on the coding strand, the complement: CEP290 is on the minus strand). VCF-style: chr12-88093775-C-T. GRCh37 (hg19) VCF-style: chr12-88487552-C-T.
Other names: c.3304G>A (NM_025114.3); short protein forms A1102T.
Identifiers: ClinVar variation 2065359 (VCV002065359.5), dbSNP rs770569475, ClinGen allele CA386005741.

ClinVar aggregate classification (germline): Uncertain significance. Review status: criteria provided, multiple submitters, no conflicts (2 of 4 stars). 2 submissions from 2 submitters: Uncertain significance (2). Last evaluated 2026-08-06.

Conditions:
CEP290-related disorder. Also called: CEP290-related condition; CEP290-related disorders. Identifiers: MedGen CN239314.
Nephronophthisis. Also called: Juvenile Nephronophthisis. Identifiers: Orphanet 655, MedGen C0687120, MONDO:0019005, HP:0000090.
Joubert syndrome. Also called: Familial aplasia of the vermis; JOUBERT-BOLTSHAUSER SYNDROME. Identifiers: Orphanet 475, MedGen C5979921, MONDO:0018772.
Meckel-Gruber syndrome. Also called: Dysencephalia splachnocystica; DYSENCEPHALIA SPLANCHNOCYSTICA; GRUBER SYNDROME. Identifiers: Orphanet 564, MedGen C0265215, MONDO:0018921.

Submissions (2):

PreventionGenetics, part of Exact Sciences
Classification: Uncertain significance for CEP290-related condition. Last evaluated: 2026-08-06. Review status: criteria provided, single submitter. Criteria: ACMG Guidelines, 2015. Collection method: clinical testing. Allele origin: germline.
Comment: The CEP290 c.3304G>A variant is predicted to result in the amino acid substitution p.Ala1102Thr. To our knowledge, this variant has not been reported in the literature or in a large population database (gnomAD), indicating this variant is rare. At this time, the clinical significance of this variant is uncertain due to the absence of conclusive functional and genetic evidence.

Labcorp Genetics (formerly Invitae), Labcorp
Classification: Uncertain significance for Joubert syndrome; Meckel-Gruber syndrome; Nephronophthisis. Last evaluated: 2021-12-29. Review status: criteria provided, single submitter. Criteria: Invitae Variant Classification Sherloc (09022015). Collection method: clinical testing. Allele origin: germline.
Comment: This sequence change replaces alanine, which is neutral and non-polar, with threonine, which is neutral and polar, at codon 1102 of the CEP290 protein (p.Ala1102Thr). This variant is not present in population databases (gnomAD no frequency). This variant has not been reported in the literature in individuals affected with CEP290-related conditions. Algorithms developed to predict the effect of missense changes on protein structure and function output the following: SIFT: "Tolerated"; PolyPhen-2: "Benign"; Align-GVGD: "Class C0". The threonine amino acid residue is found in multiple mammalian species, which suggests that this missense change does not adversely affect protein function. In summary, the available evidence is currently insufficient to determine the role of this variant in disease. Therefore, it has been classified as a Variant of Uncertain Significance.